The following is an entry in ClinVar:

ClinVar aggregate classification (germline): Uncertain significance (1 of 4 stars; one submission).

Conditions:
Cardiovascular phenotype. Identifiers: MedGen CN230736.
Hereditary cancer-predisposing syndrome. Also called: Neoplastic Syndromes, Hereditary; Tumor predisposition; Hereditary Cancer Syndrome; Hereditary neoplastic syndrome. Identifiers: Orphanet 140162, MedGen C0027672, MeSH D009386, MONDO:0015356.

Submission:

Ambry Genetics
Classification: Uncertain significance for Cardiovascular phenotype; Hereditary cancer-predisposing syndrome. Last evaluated: 2026-05-12. Review status: criteria provided, single submitter. Criteria: Ambry Variant Classification Scheme 2023. Collection method: clinical testing. Allele origin: germline.
Comment: The p.S2580P variant (also known as c.7738T>C), located in coding exon 52 of the NF1 gene, results from a T to C substitution at nucleotide position 7738. The serine at codon 2580 is replaced by proline, an amino acid with similar properties. This amino acid position is highly conserved in available vertebrate species. In addition, the in silico prediction for this alteration is inconclusive. Based on the available evidence, the clinical significance of this variant remains unclear.

NM_001042492.3(NF1):c.7801T>C (p.Ser2601Pro)

Gene: NF1 (neurofibromin 1; plus strand). Cytogenetic location: 17q11.2.
Variant type: single nucleotide variant.
Coding change: c.7801T>C on transcript NM_001042492.3 (MANE Select); coding-DNA position 7801, T replaced by C.
Protein change: p.Ser2601Pro; replaces serine 2601 with proline.
Molecular consequence: missense variant.
Genome position (GRCh38, 1-based): chr17:31,357,022, T>C. VCF-style: chr17-31357022-T-C. GRCh37 (hg19) VCF-style: chr17-29684040-T-C.
Other names: c.7738T>C, p.Ser2580Pro (NM_000267.4); short protein forms S2580P, S2601P.
Identifiers: ClinVar variation 4860961 (VCV004860961.1).